The following is an entry in ClinVar:

NM_001009999.3(KDM1A):c.1036G>T (p.Val346Leu)

Gene: KDM1A (lysine demethylase 1A; plus strand). Cytogenetic location: 1p36.12.
Variant type: single nucleotide variant.
Coding change: c.1036G>T on transcript NM_001009999.3 (MANE Select); coding-DNA position 1036, G replaced by T.
Protein change: p.Val346Leu; replaces valine 346 with leucine.
Molecular consequence: missense variant.
Genome position (GRCh38, 1-based): chr1:23,057,529, G>T. VCF-style: chr1-23057529-G-T. GRCh37 (hg19) VCF-style: chr1-23384022-G-T.
Other names: c.976G>T, p.Val326Leu (NM_001363654.2, NM_001410763.1, NM_015013.4); c.1036G>T, p.Val346Leu (NM_001410762.1); short protein forms V326L, V346L.
Identifiers: ClinVar variation 4622707 (VCV004622707.1).
Genomic context (GRCh38, chr1:23,057,529, plus strand): 5'-TAATTTCTGAAACAGGATCGTGTGGGTGGACGAGTTGCCACATTTCGCAAAGGAAACTAT[G>T]TAGCTGATCTTGGAGCCATGGTGGTAACAGGTCTTGGTAAGTAGCTATTGGTTTGTGCTA-3'
Protein context (NP_001009999.1, residues 336-356): RVATFRKGNY[Val346Leu]ADLGAMVVTG

ClinVar aggregate classification (germline): Uncertain significance (1 of 4 stars; one submission).

Conditions:
Inborn genetic diseases. Identifiers: MedGen C0950123, MeSH D030342.

Submission:

Ambry Genetics
Classification: Uncertain significance for Inborn genetic diseases. Last evaluated: 2025-11-11. Review status: criteria provided, single submitter. Criteria: Ambry Variant Classification Scheme 2023. Collection method: clinical testing. Allele origin: germline.
Comment: The p.V346L variant (also known as c.1036G>T), located in coding exon 8 of the KDM1A gene, results from a G to T substitution at nucleotide position 1036. The valine at codon 346 is replaced by leucine, an amino acid with highly similar properties. This amino acid position is conserved. In addition, this alteration is predicted to be deleterious by in silico analysis. Based on the available evidence, the clinical significance of this variant remains unclear.